The following is an entry in ClinVar:

ClinVar aggregate classification (germline): Uncertain significance (1 of 4 stars; one submission).

Allele frequency attached by ClinVar (database versions not stated): gnomAD exomes below 0.00001; ExAC 0.00001.
gnomAD v4.1: 1 of 1,613,844 alleles (0.000062%); highest among the groups gnomAD compares: Non-Finnish European, 0.000085%; no homozygotes.

Submission:

Labcorp Genetics (formerly Invitae), Labcorp
Classification: Uncertain significance. Last evaluated: 2022-04-19. Review status: criteria provided, single submitter. Criteria: Invitae Variant Classification Sherloc (09022015). Collection method: clinical testing. Allele origin: germline.
Comment: In summary, the available evidence is currently insufficient to determine the role of this variant in disease. Therefore, it has been classified as a Variant of Uncertain Significance. Algorithms developed to predict the effect of sequence changes on RNA splicing suggest that this variant may disrupt the consensus splice site. Algorithms developed to predict the effect of missense changes on protein structure and function (SIFT, PolyPhen-2, Align-GVGD) all suggest that this variant is likely to be tolerated. This variant has not been reported in the literature in individuals affected with PYCR2-related conditions. This variant is present in population databases (rs772843228, gnomAD 0.0009%). This sequence change replaces valine, which is neutral and non-polar, with leucine, which is neutral and non-polar, at codon 162 of the PYCR2 protein (p.Val162Leu).

NM_013328.4(PYCR2):c.484G>C (p.Val162Leu)

Gene: PYCR2 (pyrroline-5-carboxylate reductase 2; minus strand). Cytogenetic location: 1q42.12.
Variant type: single nucleotide variant.
Coding change: c.484G>C on transcript NM_013328.4 (MANE Select); coding-DNA position 484, G replaced by C.
Protein change: p.Val162Leu; replaces valine 162 with leucine.
Molecular consequence: missense variant. On other transcripts: intron variant (1).
Genome position (GRCh38, 1-based): chr1:225,921,914, C>G on the plus strand (G>C on the coding strand, the complement: PYCR2 is on the minus strand). VCF-style: chr1-225921914-C-G. GRCh37 (hg19) VCF-style: chr1-226109614-C-G.
Other names: c.319-270G>C (NM_001271681.2); short protein forms V162L.
Identifiers: ClinVar variation 1970365 (VCV001970365.5), dbSNP rs772843228, ClinGen allele CA1420211.